The following is an entry in ClinVar:

ClinVar aggregate classification (germline): Benign/Likely benign. Review status: criteria provided, multiple submitters, no conflicts (2 of 4 stars). 4 submissions from 4 submitters: Benign (2); Likely benign (1). 1 of the submissions does not count toward it. Last evaluated 2025-12-01.

Conditions:
MADD-related disorder. Also called: MADD-related condition; MADD-Related Disorders.
Deeah syndrome. Also called: DEVELOPMENTAL DELAY WITH ENDOCRINE, EXOCRINE, AUTONOMIC, AND HEMATOLOGIC ABNORMALITIES. Identifiers: Orphanet 686495, MedGen C5436579, MONDO:0033561, OMIM 619004.
Neurodevelopmental disorder with dysmorphic facies, impaired speech, and hypotonia. Identifiers: MedGen C5436585, MONDO:0033562, OMIM 619005.

Allele frequency attached by ClinVar (database versions not stated): 1000 Genomes Project 30x 0.00078; 1000 Genomes Project 0.00080; TOPMed 0.00165; ESP Exome Variant Server 0.00192; gnomAD exomes 0.00376 and 0.00509; gnomAD 0.00414 and 0.00444; ExAC 0.00515.
gnomAD v4.1: 6,047 of 1,611,408 alleles (0.38%); highest among the groups gnomAD compares: Non-Finnish European, 0.32%; 37 homozygotes.

Submissions (4):

CeGaT Center for Human Genetics Tuebingen
Classification: Likely benign. Last evaluated: 2025-12-01. Review status: criteria provided, single submitter. Criteria: CeGaT Center For Human Genetics Tuebingen Variant Classification Criteria Version 2. Collection method: clinical testing. Allele origin: germline. Affected: yes. Observed: 5 variant alleles.
Comment: MADD: BS2

Fulgent Genetics
Classification: Benign for Deeah syndrome; Neurodevelopmental disorder with dysmorphic facies, impaired speech, and hypotonia. Last evaluated: 2021-07-07. Review status: criteria provided, single submitter. Criteria: ACMG Guidelines, 2015. Collection method: clinical testing. Allele origin: unknown.

Labcorp Genetics (formerly Invitae), Labcorp
Classification: Benign. Last evaluated: 2018-06-29. Review status: criteria provided, single submitter. Criteria: Invitae Variant Classification Sherloc (09022015). Collection method: clinical testing. Allele origin: germline.

PreventionGenetics, part of Exact Sciences
Classification: Benign for MADD-related condition. Last evaluated: 2019-04-03. Review status: no assertion criteria provided. Collection method: clinical testing. Allele origin: germline. Not counted in ClinVar's aggregate classification.
Comment: This variant is classified as benign based on ACMG/AMP sequence variant interpretation guidelines (Richards et al. 2015 PMID: 25741868, with internal and published modifications).

NM_001376571.1(MADD):c.1330A>G (p.Asn444Asp)

Gene: MADD (MAP kinase activating death domain; plus strand). Cytogenetic location: 11p11.2.
Variant type: single nucleotide variant.
Coding change: c.1330A>G on transcript NM_001376571.1 (MANE Select); coding-DNA position 1330, A replaced by G.
Protein change: p.Asn444Asp; replaces asparagine 444 with aspartic acid.
Molecular consequence: missense variant. On other transcripts: non-coding transcript variant (8).
Genome position (GRCh38, 1-based): chr11:47,281,614, A>G. VCF-style: chr11-47281614-A-G. GRCh37 (hg19) VCF-style: chr11-47303165-A-G.
Other names: c.1330A>G, p.Asn444Asp (NM_001135943.2, NM_001135944.2, NM_001376572.1 and 80 more transcripts); c.1126A>G, p.Asn376Asp (NM_001376620.1, NM_001376626.1, NM_001376627.1 and 9 more transcripts); c.664A>G, p.Asn222Asp (NM_001376663.1); short protein forms N444D, N222D, N376D.
Identifiers: ClinVar variation 720869 (VCV000720869.29), dbSNP rs61751747, ClinGen allele CA5974106.